The following is an entry in ClinVar:

NM_001291088.2(WDR87):c.7999A>G (p.Thr2667Ala)

Gene: WDR87 (WD repeat domain 87; minus strand). Cytogenetic location: 19q13.13.
Variant type: single nucleotide variant.
Coding change: c.7999A>G on transcript NM_001291088.2 (MANE Select); coding-DNA position 7999, A replaced by G.
Protein change: p.Thr2667Ala; replaces threonine 2667 with alanine.
Molecular consequence: missense variant.
Genome position (GRCh38, 1-based): chr19:37,885,672, T>C on the plus strand (A>G on the coding strand, the complement: WDR87 is on the minus strand). VCF-style: chr19-37885672-T-C. GRCh37 (hg19) VCF-style: chr19-38376312-T-C.
Other names: c.7882A>G (NM_031951.3); c.7882A>G, p.Thr2628Ala (NM_031951.5); short protein forms T2628A, T2667A.
Identifiers: ClinVar variation 1686380 (VCV001686380.3), dbSNP rs1244315984, ClinGen allele CA405596838.
Genomic context (GRCh38, chr19:37,885,672, plus strand): 5'-TTCTGTAAGGTTCTCCTAGAAGATGCCAATTTTTAGCCCTTGGGTCTGGAATCCTCTTGG[T>C]AGCTAATGGGGACTTTTGTGTGGGGACAGCCAAAGGTTTTGGCCAGCTCTCCTTTTCCTT-3'
Protein context (NP_001278017.1, residues 2657-2677): AVPTQKSPLA[Thr2667Ala]KRIPDPRAKN

ClinVar aggregate classification (germline): Conflicting classifications of pathogenicity. Review status: criteria provided, conflicting classifications (1 of 4 stars). 3 submissions from 3 submitters: Uncertain significance (2); Benign (1). Last evaluated 2025-09-03.

Allele frequency attached by ClinVar (database versions not stated): gnomAD exomes 0.00001; gnomAD 0.00001; TOPMed below 0.00001.
gnomAD v4.1: 10 of 1,551,696 alleles (0.00064%); highest among the groups gnomAD compares: Non-Finnish European, 0.00087%; no homozygotes.

Submissions (3):

Labcorp Genetics (formerly Invitae), Labcorp
Classification: Uncertain significance. Last evaluated: 2025-09-03. Review status: criteria provided, single submitter. Criteria: Invitae Variant Classification Sherloc (09022015). Collection method: clinical testing. Allele origin: germline.
Comment: This sequence change replaces threonine, which is neutral and polar, with alanine, which is neutral and non-polar, at codon 2628 of the WDR87 protein (p.Thr2628Ala). This variant is not present in population databases (gnomAD no frequency). This variant has not been reported in the literature in individuals affected with WDR87-related conditions. ClinVar contains an entry for this variant (Variation ID: 1686380). An algorithm developed to predict the effect of missense changes on protein structure and function outputs the following: PolyPhen-2: "Not Available". The alanine amino acid residue is found in multiple mammalian species, which suggests that this missense change does not adversely affect protein function. In summary, the available evidence is currently insufficient to determine the role of this variant in disease. Therefore, it has been classified as a Variant of Uncertain Significance.

Ambry Genetics
Classification: Uncertain significance. Last evaluated: 2025-01-16. Review status: criteria provided, single submitter. Criteria: Ambry Variant Classification Scheme 2023. Collection method: clinical testing. Allele origin: germline.

Mendelics
Classification: Benign. Last evaluated: 2022-05-04. Review status: criteria provided, single submitter. Criteria: Mendelics Assertion Criteria 2019. Collection method: clinical testing. Allele origin: germline.